The following is an entry in ClinVar:

NM_000466.3(PEX1):c.496del (p.Tyr166fs)

Gene: PEX1 (peroxisomal biogenesis factor 1; minus strand). Cytogenetic location: 7q21.2.
Variant type: Deletion.
Coding change: c.496del on transcript NM_000466.3 (MANE Select); coding-DNA position 496, one base deleted (T; older notation c.496delT).
Protein change: p.Tyr166fs; shifts the reading frame from tyrosine 166.
Molecular consequence: frameshift variant. On other transcripts: 5 prime UTR variant (1).
Genome position (GRCh38, 1-based): chr7:92,518,019, A deleted on the plus strand (T on the coding strand, the reverse complement: PEX1 is on the minus strand); the first of 2 consecutive A bases (chr7:92,518,019-92,518,020); deleting either gives the same sequence. VCF-style (leftmost placement, unchanged base first): chr7-92518018-TA-T. GRCh37 (hg19) VCF-style: chr7-92147332-TA-T.
Other names: c.496del, p.Tyr166fs (NM_001282677.2); c.-129del (NM_001282678.2); short protein forms Y166fs.
Identifiers: ClinVar variation 1725038 (VCV001725038.3), dbSNP rs2484704330, ClinGen allele CA2580077850.
Genomic context (GRCh38, chr7:92,518,018, plus strand): 5'-TCTTTGGCTCGGCGTGTCTTTGGCTGAATAAGGAGTTTGGTGTCAGTTTCCAGCCTTCCA[TA>T]AGAGGCAGCTGGTATTAGTGCAACTGTGTAGAAAATAAAGCTCATTAGTGCACATTCATT-3'

ClinVar aggregate classification (germline): Likely pathogenic (1 of 4 stars; one submission).

Conditions:
Peroxisome biogenesis disorder. Identifiers: Orphanet 79189, MedGen C1832200, MONDO:0019234. Disease mechanism: loss of function.

Submission:

Myriad Genetics, Inc.
Classification: Likely pathogenic for Peroxisome biogenesis disorder. Last evaluated: 2022-03-05. Review status: criteria provided, single submitter. Criteria: Myriad Autosomal Dominant, Autosomal Recessive and X-Linked Classification Criteria (2023). Collection method: clinical testing. Allele origin: unknown.
Comment: NM_000466.2(PEX1):c.496delT(Y166Mfs*44) is expected to be pathogenic in the context of peroxisome biogenesis disorder type 1. This variant is predicted to lead to an abnormal or absent protein product due to the creation of a premature termination codon in PEX1, a gene where loss-of-function variants are known to be pathogenic. Please note: this variant was assessed in the context of healthy population screening.